The following is an entry in ClinVar:

NM_001130987.2(DYSF):c.1718G>A (p.Arg573Gln)

Gene: DYSF (dysferlin; plus strand). Cytogenetic location: 2p13.2.
Variant type: single nucleotide variant.
Coding change: c.1718G>A on transcript NM_001130987.2 (MANE Select); coding-DNA position 1718, G replaced by A.
Protein change: p.Arg573Gln; replaces arginine 573 with glutamine.
Molecular consequence: missense variant.
Genome position (GRCh38, 1-based): chr2:71,551,632, G>A. VCF-style: chr2-71551632-G-A. GRCh37 (hg19) VCF-style: chr2-71778762-G-A.
Other names: c.1667G>A, p.Arg556Gln (NM_001130455.2, NM_001130983.2); c.1622G>A, p.Arg541Gln (NM_001130976.2, NM_001130977.2); c.1664G>A, p.Arg555Gln (NM_001130978.2, NM_003494.4); c.1757G>A, p.Arg586Gln (NM_001130979.2); c.1715G>A, p.Arg572Gln (NM_001130980.2, NM_001130981.2); c.1760G>A, p.Arg587Gln (NM_001130982.2); c.1625G>A, p.Arg542Gln (NM_001130984.2, NM_001130986.2); c.1718G>A, p.Arg573Gln (NM_001130985.2); short protein forms R542Q, R586Q, R587Q, R541Q, R555Q, R573Q, R556Q, R572Q.
Identifiers: ClinVar variation 684441 (VCV000684441.6), dbSNP rs755829878, ClinGen allele CA1705912.

ClinVar aggregate classification (germline): Uncertain significance. Review status: criteria provided, multiple submitters, no conflicts (2 of 4 stars). 3 submissions from 3 submitters: Uncertain significance (2). 1 of the submissions does not count toward it. Last evaluated 2024-11-26.

Conditions:
Autosomal recessive limb-girdle muscular dystrophy type 2B (LGMDR2). Also called: MUSCULAR DYSTROPHY, LIMB-GIRDLE, AUTOSOMAL RECESSIVE 2; Limb-Girdle Muscular Dystrophy Type 2B (LGMD2B); Limb-girdle muscular dystrophy, type 2B; MUSCULAR DYSTROPHY, LIMB-GIRDLE, TYPE 3. Identifiers: Orphanet 268, MedGen C1850889, MONDO:0009676, OMIM 253601.
Miyoshi muscular dystrophy 1 (MMD1). Identifiers: Orphanet 45448, MedGen C4551973, MONDO:0024545, OMIM 254130.
Distal myopathy with anterior tibial onset. Identifiers: Orphanet 178400, MedGen C1847532, MONDO:0011721, OMIM 606768.
Neuromuscular disease caused by qualitative or quantitative defects of dysferlin. Also called: Dysferlinopathy; Qualitative or quantitative defects of dysferlin. Identifiers: Orphanet 207073, MedGen C2931687, MONDO:0016145.
Inborn genetic diseases. Identifiers: MedGen C0950123, MeSH D030342.

Allele frequency attached by ClinVar (database versions not stated): TOPMed 0.00001; gnomAD exomes 0.00002; ExAC 0.00003.
gnomAD v4.1: 27 of 1,608,662 alleles (0.0017%); highest among the groups gnomAD compares: Admixed American, 0.0051%; no homozygotes.

Submissions (3):

Ambry Genetics
Classification: Uncertain significance for Inborn genetic diseases. Last evaluated: 2024-11-26. Review status: criteria provided, single submitter. Criteria: Ambry Variant Classification Scheme 2023. Collection method: clinical testing. Allele origin: germline.

Labcorp Genetics (formerly Invitae), Labcorp
Classification: Uncertain significance for Neuromuscular disease caused by qualitative or quantitative defects of dysferlin. Last evaluated: 2021-12-27. Review status: criteria provided, single submitter. Criteria: Invitae Variant Classification Sherloc (09022015). Collection method: clinical testing. Allele origin: germline.
Comment: This sequence change replaces arginine, which is basic and polar, with glutamine, which is neutral and polar, at codon 555 of the DYSF protein (p.Arg555Gln). The frequency data for this variant in the population databases is considered unreliable, as metrics indicate poor data quality at this position in the gnomAD database. This variant has not been reported in the literature in individuals affected with DYSF-related conditions. ClinVar contains an entry for this variant (Variation ID: 684441). Advanced modeling of protein sequence and biophysical properties (such as structural, functional, and spatial information, amino acid conservation, physicochemical variation, residue mobility, and thermodynamic stability) performed at Invitae indicates that this missense variant is expected to disrupt DYSF protein function. Algorithms developed to predict the effect of sequence changes on RNA splicing suggest that this variant may create or strengthen a splice site. This variant disrupts the p.Arg555 amino acid residue in DYSF. Other variant(s) that disrupt this residue have been determined to be pathogenic (PMID: 17698709, 22174839, 25591676, 27066573). This suggests that this residue is clinically significant, and that variants that disrupt this residue are likely to be disease-causing. In summary, the available evidence is currently insufficient to determine the role of this variant in disease. Therefore, it has been classified as a Variant of Uncertain Significance.

Natera, Inc.
Classification: Uncertain significance for Limb-girdle muscular dystrophy type 2B. Last evaluated: 2020-08-10. Review status: no assertion criteria provided. Collection method: clinical testing. Allele origin: germline. Not counted in ClinVar's aggregate classification.

Literature cited by the submitters: PubMed 17698709 (cited by Labcorp Genetics (formerly Invitae), Labcorp); PubMed 22174839 (cited by Labcorp Genetics (formerly Invitae), Labcorp); PubMed 25591676 (cited by Labcorp Genetics (formerly Invitae), Labcorp); PubMed 27066573 (cited by Labcorp Genetics (formerly Invitae), Labcorp).